The following is an entry in ClinVar:

NM_001378189.1(CFAP57):c.1862T>A (p.Met621Lys)

Genes: CFAP57 (cilia and flagella associated protein 57; plus strand), EBNA1BP2 (EBNA1 binding protein 2; minus strand), LOC105378685 (uncharacterized LOC105378685; minus strand). Cytogenetic location: 1p34.2.
Variant type: single nucleotide variant.
Coding change: c.1862T>A on transcript NM_001378189.1 (MANE Select); coding-DNA position 1862, T replaced by A.
Protein change: p.Met621Lys; replaces methionine 621 with lysine.
Molecular consequence: missense variant.
Genome position (GRCh38, 1-based): chr1:43,209,849, T>A. VCF-style: chr1-43209849-T-A. GRCh37 (hg19) VCF-style: chr1-43675520-T-A.
Other names: c.1862T>A, p.Met621Lys (NM_001167965.1, NM_001195831.3, NM_152498.3); short protein forms M621K.
Identifiers: ClinVar variation 3349744 (VCV003349744.1).

ClinVar aggregate classification (germline): Uncertain significance (0 of 4 stars; one submission).

Conditions:
CFAP57-related disorder. Also called: CFAP57-related condition.

Submission:

PreventionGenetics, part of Exact Sciences
Classification: Uncertain significance for CFAP57-related condition. Last evaluated: 2024-03-27. Review status: no assertion criteria provided. Collection method: clinical testing. Allele origin: germline.
Comment: The CFAP57 c.1862T>A variant is predicted to result in the amino acid substitution p.Met621Lys. To our knowledge, this variant has not been reported in the literature. This variant is reported in 0.0058% of alleles in individuals of Latino descent in gnomAD. At this time, the clinical significance of this variant is uncertain due to the absence of conclusive functional and genetic evidence.